The following is an entry in ClinVar:

ClinVar aggregate classification (germline): Uncertain significance (1 of 4 stars; one submission).

gnomAD v4.1: 3 of 1,576,552 alleles (0.00019%); highest among the groups gnomAD compares: Non-Finnish European, 0.00026%; no homozygotes.

Submission:

GeneDx
Classification: Uncertain significance. Last evaluated: 2023-06-20. Review status: criteria provided, single submitter. Criteria: GeneDx Variant Classification Process June 2021. Collection method: clinical testing. Allele origin: germline. Affected: yes.
Comment: Not observed at significant frequency in large population cohorts (gnomAD); In silico analysis supports that this missense variant does not alter protein structure/function; Has not been previously published as pathogenic or benign to our knowledge

NM_001039213.4(CEACAM16):c.1249G>A (p.Val417Met)

Genes: CEACAM16 (CEA cell adhesion molecule 16, tectorial membrane component; plus strand), CEACAM16-AS1 (CEACAM16, CEACAM19 and PVR antisense RNA 1; minus strand). Cytogenetic location: 19q13.32.
Variant type: single nucleotide variant.
Coding change: c.1249G>A on transcript NM_001039213.4 (MANE Select); coding-DNA position 1249, G replaced by A.
Protein change: p.Val417Met; replaces valine 417 with methionine.
Molecular consequence: missense variant.
Genome position (GRCh38, 1-based): chr19:44,708,169, G>A. VCF-style: chr19-44708169-G-A. GRCh37 (hg19) VCF-style: chr19-45211441-G-A.
Other names: short protein forms V417M.
Identifiers: ClinVar variation 3359927 (VCV003359927.1).